The following is an entry in ClinVar:

ClinVar aggregate classification (germline): Benign/Likely benign. Review status: criteria provided, multiple submitters, no conflicts (2 of 4 stars). 2 submissions from 2 submitters: Benign (1); Likely benign (1). Last evaluated 2018-06-14.

Conditions:
Hereditary spastic paraplegia 4. Also called: Spastic paraplegia 4, autosomal dominant; Spastic Paraplegia 4; Familial spastic paraplegia autosomal dominant 2. Identifiers: Orphanet 100985, MedGen C1866855, MONDO:0008438, OMIM 182601.

Allele frequency attached by ClinVar (database versions not stated): gnomAD exomes 0.00163; ExAC 0.00195; ESP Exome Variant Server 0.00684; gnomAD 0.00691 and 0.00739; 1000 Genomes Project 0.00759; TOPMed 0.00794; 1000 Genomes Project 30x 0.00843.
gnomAD v4.1: 1,969 of 1,583,282 alleles (0.12%); highest among the groups gnomAD compares: African/African-American, 2.4%; 27 homozygotes.

Submissions (2):

GeneDx
Classification: Likely benign. Last evaluated: 2018-06-14. Review status: criteria provided, single submitter. Criteria: GeneDx Variant Classification Process June 2021. Collection method: clinical testing. Allele origin: germline. Affected: yes.

Illumina Laboratory Services, Illumina
Classification: Benign for Hereditary spastic paraplegia 4. Last evaluated: 2018-01-13. Review status: criteria provided, single submitter. Criteria: ICSL Variant Classification Criteria 13 December 2019. Collection method: clinical testing. Allele origin: germline.
Comment: This variant was observed in the ICSL laboratory as part of a predisposition screen in an ostensibly healthy population. It had not been previously curated by ICSL or reported in the Human Gene Mutation Database (HGMD: prior to June 1st, 2018), and was therefore a candidate for classification through an automated scoring system. Utilizing variant allele frequency, disease prevalence and penetrance estimates, and inheritance mode, an automated score was calculated to assess if this variant is too frequent to cause the disease. Based on the score and internal cut-off values, a variant classified as benign is not then subjected to further curation. The score for this variant resulted in a classification of benign for this disease.

NM_014946.4(SPAST):c.*51A>G

Gene: SPAST (spastin; plus strand). Cytogenetic location: 2p22.3.
Variant type: single nucleotide variant.
Coding change: c.*51A>G on transcript NM_014946.4 (MANE Select); 51 bases downstream of the stop codon, A replaced by G.
Molecular consequence: 3 prime UTR variant.
Genome position (GRCh38, 1-based): chr2:32,154,547, A>G. VCF-style: chr2-32154547-A-G. GRCh37 (hg19) VCF-style: chr2-32379616-A-G.
Other names: c.*51A>G (NM_001363823.2, NM_001363875.2, NM_199436.2); c.*175A>G (NM_001377959.1).
Identifiers: ClinVar variation 335838 (VCV000335838.7), dbSNP rs6730121, ClinGen allele CA1601043.
Genomic context (GRCh38, chr2:32,154,547, plus strand): 5'-CACTGTTTAAGGAAATACCTTTGTAAACCTGCAGAACATTTTACTTAAAAGAGGAAACAC[A>G]AGATCTTCAATGAACGTCATCGGCTACAGAAACAGCCTAAGTTTACAGGACTTTTTAGAG-3'